The following is an entry in ClinVar:

ClinVar aggregate classification (germline): Uncertain significance (1 of 4 stars; one submission).

Conditions:
Hereditary sensory and autonomic neuropathy type 1 (HSAN1). Also called: HSAN 1; HSN Type I; Hereditary Sensory Neuropathy Type I. Identifiers: Orphanet 36386, MedGen C0020071, MONDO:0018213.

Submission:

Labcorp Genetics (formerly Invitae), Labcorp
Classification: Uncertain significance for Hereditary sensory and autonomic neuropathy type 1. Last evaluated: 2022-01-29. Review status: criteria provided, single submitter. Criteria: Invitae Variant Classification Sherloc (09022015). Collection method: clinical testing. Allele origin: germline.
Comment: In summary, the available evidence is currently insufficient to determine the role of this variant in disease. Therefore, it has been classified as a Variant of Uncertain Significance. This sequence change replaces serine, which is neutral and polar, with leucine, which is neutral and non-polar, at codon 278 of the SPTLC1 protein (p.Ser278Leu). This variant is not present in population databases (gnomAD no frequency). This variant has not been reported in the literature in individuals affected with SPTLC1-related conditions. Advanced modeling of protein sequence and biophysical properties (such as structural, functional, and spatial information, amino acid conservation, physicochemical variation, residue mobility, and thermodynamic stability) performed at Invitae indicates that this missense variant is expected to disrupt SPTLC1 protein function.

NM_006415.4(SPTLC1):c.833C>T (p.Ser278Leu)

Gene: SPTLC1 (serine palmitoyltransferase long chain base subunit 1; minus strand). Cytogenetic location: 9q22.31.
Variant type: single nucleotide variant.
Coding change: c.833C>T on transcript NM_006415.4 (MANE Select); coding-DNA position 833, C replaced by T.
Protein change: p.Ser278Leu; replaces serine 278 with leucine.
Molecular consequence: missense variant.
Genome position (GRCh38, 1-based): chr9:92,050,015, G>A on the plus strand (C>T on the coding strand, the complement: SPTLC1 is on the minus strand). VCF-style: chr9-92050015-G-A. GRCh37 (hg19) VCF-style: chr9-94812297-G-A.
Other names: c.833C>T, p.Ser278Leu (NM_001281303.2); c.467C>T, p.Ser156Leu (NM_001368272.1); c.368C>T, p.Ser123Leu (NM_001368273.1); short protein forms S123L, S156L, S278L.
Identifiers: ClinVar variation 2088949 (VCV002088949.4), dbSNP rs2538405697, ClinGen allele CA373793702.